The following is an entry in ClinVar:

NM_001349798.2(FBXW7):c.2020C>T (p.Arg674Trp)

Gene: FBXW7 (F-box and WD repeat domain containing 7; minus strand). Cytogenetic location: 4q31.3.
Variant type: single nucleotide variant.
Coding change: c.2020C>T on transcript NM_001349798.2 (MANE Select); coding-DNA position 2020, C replaced by T.
Protein change: p.Arg674Trp; replaces arginine 674 with tryptophan.
Molecular consequence: missense variant.
Genome position (GRCh38, 1-based): chr4:152,322,985, G>A on the plus strand (C>T on the coding strand, the complement: FBXW7 is on the minus strand). VCF-style: chr4-152322985-G-A. GRCh37 (hg19) VCF-style: chr4-153244137-G-A.
Other names: c.1666C>T, p.Arg556Trp (NM_001013415.2); c.1780C>T, p.Arg594Trp (NM_018315.5); c.2020C>T, p.Arg674Trp (NM_033632.3); short protein forms R674W, R556W, R594W.
Identifiers: ClinVar variation 1703001 (VCV001703001.6), dbSNP rs140856583, ClinGen allele CA108586144.
Genomic context (GRCh38, chr4:152,322,985, plus strand): 5'-CTTCAGTCCCATTCCGACTCCCAACTGCACACACCAGCTTTGTGTTTGAGGCTCTGATCC[G>A]CCACACAACTCCCCCACTCCCCCCACTCTCCAATGTGACTAGGTTTCGAATAAATTCACC-3'
Protein context (NP_001336727.1, residues 664-684): ESGGSGGVVW[Arg674Trp]IRASNTKLVC

ClinVar aggregate classification (germline): Pathogenic. Review status: criteria provided, multiple submitters, no conflicts (2 of 4 stars). 3 submissions from 3 submitters: Pathogenic (2). 1 of the submissions does not count toward it. Last evaluated 2024-06-18.

Conditions:
Developmental delay, hypotonia, and impaired language (DEDHIL). Identifiers: MedGen C5774202, MONDO:0859280, OMIM 620012.

Submissions (3):

GeneDx
Classification: Pathogenic. Last evaluated: 2024-06-18. Review status: criteria provided, single submitter. Criteria: GeneDx Variant Classification Process June 2021. Collection method: clinical testing. Allele origin: germline. Affected: yes.
Comment: In silico analysis supports that this missense variant has a deleterious effect on protein structure/function; Not observed at significant frequency in large population cohorts (gnomAD); This variant is associated with the following publications: (PMID: 35395208)

Illumina Laboratory Services, Illumina
Classification: Pathogenic for Developmental delay, hypotonia, and impaired language. Last evaluated: 2023-08-31. Review status: criteria provided, single submitter. Criteria: ICSLVariantClassificationCriteria RUGD 01 April 2020. Collection method: clinical testing. Allele origin: unknown.
Comment: The FBXW7 c.2020C>T (p.Arg674Trp) missense variant has been reported in a de novo state in two individuals with a phenotype consistent with FBXW7-related neurodevelopmental disorder. A functional study conducted in human cell lines demonstrated that this variant impacts protein function (PMID: 35395208). This variant is not observed in version 2.1.1 or version 3.1.2 of the Genome Aggregation Database. A different amino acid substitution at the same codon (p.Arg674Pro) has been reported in a de novo state in an individual with FBXW7-related neurodevelopmental disorder (PMID: 35395208). The p.Arg674Trp variant was identified in a de novo state. Based on the available evidence, the c.2020C>T (p.Arg674Trp) variant is classified as pathogenic for developmental delay, hypotonia, and impaired language.

OMIM
Classification: Pathogenic for DEVELOPMENTAL DELAY, HYPOTONIA, AND IMPAIRED LANGUAGE. Last evaluated: 2022-08-26. Review status: no assertion criteria provided. Collection method: literature only. Allele origin: germline. Not counted in ClinVar's aggregate classification.

Literature cited by the submitters: PubMed 35395208 (cited by Illumina Laboratory Services, Illumina and OMIM).